The following is an entry in ClinVar:

ClinVar aggregate classification (germline): Uncertain significance (1 of 4 stars; one submission).

Conditions:
Intellectual developmental disorder with dysmorphic facies and behavioral abnormalities. Identifiers: MedGen C4748135, MONDO:0060760, OMIM 618089.

gnomAD v4.1: 1 of 1,612,374 alleles (0.000062%); highest among the groups gnomAD compares: Non-Finnish European, 0.000085%; no homozygotes.

Submission:

Victorian Clinical Genetics Services, Murdoch Childrens Research Institute
Classification: Uncertain significance for Intellectual developmental disorder with dysmorphic facies and behavioral abnormalities. Last evaluated: 2022-02-02. Review status: criteria provided, single submitter. Criteria: ACMG Guidelines, 2015. Collection method: clinical testing. Allele origin: germline. Inheritance: Autosomal dominant inheritance. Affected: yes.
Comment: Based on the classification scheme VCGS_Germline_v1.3.4, this variant is classified as VUS-3B. Following criteria are met: 0102 - Loss of function is a known mechanism of disease in this gene and is associated with intellectual developmental disorder with dysmorphic facies and behavioral abnormalities (MIM#618089). (I) 0107 - This gene is associated with autosomal dominant disease. (I) 0200 - Variant is predicted to result in a missense amino acid change from glutamic acid to aspartic acid. (I) 0251 - This variant is heterozygous. (I) 0301 - Variant is absent from gnomAD (both v2 and v3). (SP) 0502 - Missense variant with conflicting in silico predictions and uninformative conservation. (I) 0600 - Variant is located in the annotated beta-helix domain (NCBI). (I) 0705 - No comparable missense variants have previous evidence for pathogenicity. (I) 0807 - This variant has no previous evidence of pathogenicity. (I) 0905 - No published segregation evidence has been identified for this variant. (I) 1007 - No published functional evidence has been identified for this variant. (I) 1208 - Inheritance information for this variant is not currently available in this individual. (I) Legend: (SP) - Supporting pathogenic, (I) - Information, (SB) - Supporting benign

NM_001190274.2(FBXO11):c.1272G>C (p.Glu424Asp)

Gene: FBXO11 (F-box protein 11; minus strand). Cytogenetic location: 2p16.3.
Variant type: single nucleotide variant.
Coding change: c.1272G>C on transcript NM_001190274.2 (MANE Select); coding-DNA position 1272, G replaced by C.
Protein change: p.Glu424Asp; replaces glutamic acid 424 with aspartic acid.
Molecular consequence: missense variant.
Genome position (GRCh38, 1-based): chr2:47,832,475, C>G on the plus strand (G>C on the coding strand, the complement: FBXO11 is on the minus strand). VCF-style: chr2-47832475-C-G. GRCh37 (hg19) VCF-style: chr2-48059614-C-G.
Other names: c.1020G>C, p.Glu340Asp (NM_001374325.1, NM_025133.4); short protein forms E340D, E424D.
Identifiers: ClinVar variation 1698962 (VCV001698962.3), dbSNP rs1487329821, ClinGen allele CA346765452.